The following is an entry in ClinVar:

NM_201384.3(PLEC):c.4395G>C (p.Glu1465Asp)

Gene: PLEC (plectin; minus strand). Cytogenetic location: 8q24.3.
Variant type: single nucleotide variant.
Coding change: c.4395G>C on transcript NM_201384.3 (MANE Select); coding-DNA position 4395, G replaced by C.
Protein change: p.Glu1465Asp; replaces glutamic acid 1465 with aspartic acid.
Molecular consequence: missense variant.
Genome position (GRCh38, 1-based): chr8:143,925,534, C>G on the plus strand (G>C on the coding strand, the complement: PLEC is on the minus strand). VCF-style: chr8-143925534-C-G. GRCh37 (hg19) VCF-style: chr8-144999702-C-G.
Other names: c.4476G>C, p.Glu1492Asp (NM_000445.5); c.4353G>C, p.Glu1451Asp (NM_201378.4); c.4329G>C, p.Glu1443Asp (NM_201379.3); c.4806G>C, p.Glu1602Asp (NM_201380.4); c.4299G>C, p.Glu1433Asp (NM_201381.3); c.4395G>C, p.Glu1465Asp (NM_201382.4); c.4407G>C, p.Glu1469Asp (NM_201383.3); c.4476G>C (NM_000445.3); short protein forms E1451D, E1465D, E1492D, E1443D, E1602D, E1433D, E1469D.
Identifiers: ClinVar variation 837412 (VCV000837412.10), dbSNP rs782121511, ClinGen allele CA4926675.
Genomic context (GRCh38, chr8:143,925,534, plus strand): 5'-AGCCTCCTCCGCCCGTGCACGCAGTGCCTGCAGCTCCCCCTCAGCCCCGCCACGCTGGCG[C>G]TCGGTGGCCTCCAACTGCAGGCGCACCACGCGGATCTCCTCCTCGATGCGCAGCCGGCTG-3'
Protein context (NP_958786.1, residues 1455-1475): RVVRLQLEAT[Glu1465Asp]RQRGGAEGEL

ClinVar aggregate classification (germline): Uncertain significance. Review status: criteria provided, multiple submitters, no conflicts (2 of 4 stars). 3 submissions from 3 submitters: Uncertain significance (3). Last evaluated 2025-06-10.

Conditions:
Epidermolysis bullosa simplex 5C, with pyloric atresia (EBS5C). Also called: PLEC1-Related Epidermolysis Bullosa with Pyloric Atresia; Epidermolysis bullosa simplex with pyloric atresia; PLEC-Related Epidermolysis Bullosa with Pyloric Atresia. Identifiers: Orphanet 158684, MedGen C2677349, MONDO:0012807, OMIM 612138.
Epidermolysis bullosa simplex with nail dystrophy (EBS5D). Identifiers: MedGen C4225309, MONDO:0014661, OMIM 616487.
Epidermolysis bullosa simplex 5B, with muscular dystrophy (EBS5B). Also called: EPIDERMOLYSIS BULLOSA SIMPLEX AND LIMB-GIRDLE MUSCULAR DYSTROPHY; Epidermolysis bullosa simplex with muscular dystrophy. Identifiers: Orphanet 257, MedGen C2931072, MONDO:0009181, OMIM 226670.
Epidermolysis bullosa simplex, Ogna type (EBS5A). Also called: Pidermolysis bullosa simplex 5A, Ogna type; EPIDERMOLYSIS BULLOSA SIMPLEX 5A, OGNA TYPE. Identifiers: Orphanet 79401, MedGen C0432317, MONDO:0007555, OMIM 131950.
Autosomal recessive limb-girdle muscular dystrophy type 2Q (LGMDR17). Also called: MUSCULAR DYSTROPHY, LIMB-GIRDLE, AUTOSOMAL RECESSIVE 17. Identifiers: Orphanet 254361, MedGen C3150989, MONDO:0013390, OMIM 613723.
Inborn genetic diseases. Identifiers: MedGen C0950123, MeSH D030342.

Allele frequency attached by ClinVar (database versions not stated): gnomAD exomes 0.00001; ExAC 0.00004; TOPMed 0.00013.
gnomAD v4.1: 16 of 1,595,030 alleles (0.001%); highest among the groups gnomAD compares: African/African-American, 0.02%; no homozygotes.

Submissions (3):

Labcorp Genetics (formerly Invitae), Labcorp
Classification: Uncertain significance for Autosomal recessive limb-girdle muscular dystrophy type 2Q; Epidermolysis bullosa simplex, Ogna type; Epidermolysis bullosa simplex with nail dystrophy; Epidermolysis bullosa simplex 5C, with pyloric atresia; Epidermolysis bullosa simplex 5B, with muscular dystrophy. Last evaluated: 2025-06-10. Review status: criteria provided, single submitter. Criteria: Invitae Variant Classification Sherloc (09022015). Collection method: clinical testing. Allele origin: germline.
Comment: This sequence change replaces glutamic acid, which is acidic and polar, with aspartic acid, which is acidic and polar, at codon 1492 of the PLEC protein (p.Glu1492Asp). This variant is present in population databases (rs782121511, gnomAD 0.03%). This variant has not been reported in the literature in individuals affected with PLEC-related conditions. ClinVar contains an entry for this variant (Variation ID: 837412). Invitae Evidence Modeling of protein sequence and biophysical properties (such as structural, functional, and spatial information, amino acid conservation, physicochemical variation, residue mobility, and thermodynamic stability) indicates that this missense variant is not expected to disrupt PLEC protein function with a negative predictive value of 80%. In summary, the available evidence is currently insufficient to determine the role of this variant in disease. Therefore, it has been classified as a Variant of Uncertain Significance.

Ambry Genetics
Classification: Uncertain significance for Inborn genetic diseases. Last evaluated: 2024-10-09. Review status: criteria provided, single submitter. Criteria: Ambry Variant Classification Scheme 2023. Collection method: clinical testing. Allele origin: germline.

Revvity Omics, Revvity
Classification: Uncertain significance. Last evaluated: 2020-06-26. Review status: criteria provided, single submitter. Criteria: ACMG Guidelines, 2015. Collection method: clinical testing. Allele origin: germline.